The following is an entry in ClinVar:

ClinVar aggregate classification (germline): Likely benign. Review status: criteria provided, single submitter (1 of 4 stars). 2 submissions from 2 submitters: Likely benign (1). 1 of the submissions does not count toward it. Last evaluated 2025-01-22.

Conditions:
TJP2-related disorder. Also called: TJP2-related condition.

Allele frequency attached by ClinVar (database versions not stated): gnomAD exomes below 0.00001; TOPMed below 0.00001.
gnomAD v4.1: 2 of 1,550,730 alleles (0.00013%); highest among the groups gnomAD compares: Non-Finnish European, 0.00017%; no homozygotes.

Submissions (2):

Labcorp Genetics (formerly Invitae), Labcorp
Classification: Likely benign. Last evaluated: 2025-01-22. Review status: criteria provided, single submitter. Criteria: Invitae Variant Classification Sherloc (09022015). Collection method: clinical testing. Allele origin: germline.

PreventionGenetics, part of Exact Sciences
Classification: Likely benign for TJP2-related condition. Last evaluated: 2022-12-05. Review status: no assertion criteria provided. Collection method: clinical testing. Allele origin: germline. Not counted in ClinVar's aggregate classification.
Comment: This variant is classified as likely benign based on ACMG/AMP sequence variant interpretation guidelines (Richards et al. 2015 PMID: 25741868, with internal and published modifications).

NM_004817.4(TJP2):c.60+7G>C

Gene: TJP2 (tight junction protein 2; plus strand). Cytogenetic location: 9q21.11.
Variant type: single nucleotide variant.
Coding change: c.60+7G>C on transcript NM_004817.4 (MANE Select); 7 bases into the intron after coding-DNA position 60, G replaced by C.
Molecular consequence: intron variant.
Genome position (GRCh38, 1-based): chr9:69,174,439, G>C. VCF-style: chr9-69174439-G-C. GRCh37 (hg19) VCF-style: chr9-71789355-G-C.
Other names: c.-10+22668G>C (NM_001170414.2, NM_001369870.1); c.-127-10648G>C (NM_001369871.1); c.60+7G>C (NM_201629.3, NM_001369872.1, NM_001369873.1).
Identifiers: ClinVar variation 3049789 (VCV003049789.4), dbSNP rs1824904655, ClinGen allele CA1854046026.
Genomic context (GRCh38, chr9:69,174,439, plus strand): 5'-GTGCGAGGAGACCGCGGGTTTCCACCCCGGCGGGAGCTGTCAGGTTGGCTCCGCGTAAGT[G>C]CCTCCTTGTGCCGCGCGGTTGGGAGGAGGGTCGTGAGCGTGAGCGTGGGAGCGCTGGGGG-3'